The following is an entry in ClinVar:

ClinVar aggregate classification (germline): Uncertain significance (1 of 4 stars; one submission).

Allele frequency attached by ClinVar (database versions not stated): gnomAD exomes 0.00001; TOPMed below 0.00001.
gnomAD v4.1: 5 of 1,613,508 alleles (0.00031%); highest among the groups gnomAD compares: Admixed American, 0.005%; no homozygotes.

Submission:

Labcorp Genetics (formerly Invitae), Labcorp
Classification: Uncertain significance. Last evaluated: 2025-06-24. Review status: criteria provided, single submitter. Criteria: Invitae Variant Classification Sherloc (09022015). Collection method: clinical testing. Allele origin: germline.
Comment: This sequence change replaces glutamic acid, which is acidic and polar, with lysine, which is basic and polar, at codon 75 of the FAM65B protein (p.Glu75Lys). This variant is present in population databases (no rsID available, gnomAD 0.009%). This variant has not been reported in the literature in individuals affected with FAM65B-related conditions. ClinVar contains an entry for this variant (Variation ID: 2901256). An algorithm developed to predict the effect of missense changes on protein structure and function (PolyPhen-2) suggests that this variant is likely to be disruptive. In summary, the available evidence is currently insufficient to determine the role of this variant in disease. Therefore, it has been classified as a Variant of Uncertain Significance.

NM_001286445.3(RIPOR2):c.310G>A (p.Glu104Lys)

Gene: RIPOR2 (RHO family interacting cell polarization regulator 2; minus strand). Cytogenetic location: 6p22.3.
Variant type: single nucleotide variant.
Coding change: c.310G>A on transcript NM_001286445.3 (MANE Select); coding-DNA position 310, G replaced by A.
Protein change: p.Glu104Lys; replaces glutamic acid 104 with lysine.
Molecular consequence: missense variant.
Genome position (GRCh38, 1-based): chr6:24,873,678, C>T on the plus strand (G>A on the coding strand, the complement: RIPOR2 is on the minus strand). VCF-style: chr6-24873678-C-T. GRCh37 (hg19) VCF-style: chr6-24873906-C-T.
Other names: c.325G>A, p.Glu109Lys (NM_001286446.3); c.223G>A, p.Glu75Lys (NM_001286447.2, NM_001346031.2, NM_001346032.2 and 2 more transcripts); short protein forms E104K, E109K, E75K.
Identifiers: ClinVar variation 2901256 (VCV002901256.3), dbSNP rs1358073490, ClinGen allele CA362984675.